The following is an entry in ClinVar:

ClinVar aggregate classification (germline): Benign. Review status: criteria provided, multiple submitters, no conflicts (2 of 4 stars). 2 submissions from 2 submitters: Benign (2). Last evaluated 2018-06-19.

Allele frequency attached by ClinVar (database versions not stated): gnomAD exomes 0.34923; 1000 Genomes Project 0.36681; gnomAD 0.36913 and 0.37034; 1000 Genomes Project 30x 0.37008; TOPMed 0.37457.
gnomAD v4.1: 186,189 of 524,180 alleles (36%); highest among the groups gnomAD compares: African/African-American, 43%; 34,225 homozygotes.

Submissions (2):

GeneDx
Classification: Benign. Last evaluated: 2018-06-19. Review status: criteria provided, single submitter. Criteria: GeneDx Variant Classification (06012015). Collection method: clinical testing. Allele origin: germline. Affected: yes.
Comment: This variant is considered likely benign or benign based on one or more of the following criteria: it is a conservative change, it occurs at a poorly conserved position in the protein, it is predicted to be benign by multiple in silico algorithms, and/or has population frequency not consistent with disease.

Breakthrough Genomics
Classification: Benign. Review status: criteria provided, single submitter. Criteria: ACMG Guidelines, 2015. Collection method: not provided. Allele origin: germline. Inheritance: Autosomal dominant inheritance. Affected: yes.

NM_004519.4(KCNQ3):c.1465+256A>G

Gene: KCNQ3 (potassium voltage-gated channel subfamily Q member 3; minus strand). Cytogenetic location: 8q24.22.
Variant type: single nucleotide variant.
Coding change: c.1465+256A>G on transcript NM_004519.4 (MANE Select); 256 bases into the intron after coding-DNA position 1465, A replaced by G.
Molecular consequence: intron variant.
Genome position (GRCh38, 1-based): chr8:132,140,873, T>C on the plus strand (A>G on the coding strand, the complement: KCNQ3 is on the minus strand). VCF-style: chr8-132140873-T-C. GRCh37 (hg19) VCF-style: chr8-133153120-T-C.
Other names: c.1105+256A>G (NM_001204824.2).
Identifiers: ClinVar variation 683739 (VCV000683739.2), dbSNP rs1864769, ClinGen allele CA12776798.
Genomic context (GRCh38, chr8:132,140,873, plus strand): 5'-ATCCTTCAAGTTGACCTCCATAACAATCCAATCATGGGGCGGGGGGTCGGGGCGGACCCT[T>C]AGAAACCAAGGTGACAGGTTTCCAGGCTCCTAACTTGGGAGCCTGCAGCCCTAGACTCCT-3'